The following is an entry in ClinVar:

NM_003738.5(PTCH2):c.1465-1G>A

Gene: PTCH2 (patched 2; minus strand). Cytogenetic location: 1p34.1.
Variant type: single nucleotide variant.
Coding change: c.1465-1G>A on transcript NM_003738.5 (MANE Select); the canonical splice acceptor site of the intron before coding-DNA position 1465, G replaced by A.
Molecular consequence: splice acceptor variant.
Genome position (GRCh38, 1-based): chr1:44,828,632, C>T on the plus strand (G>A on the coding strand, the complement: PTCH2 is on the minus strand). VCF-style: chr1-44828632-C-T. GRCh37 (hg19) VCF-style: chr1-45294304-C-T.
Other names: c.1465-1G>A (NM_001166292.2).
Identifiers: ClinVar variation 2168909 (VCV002168909.4), dbSNP rs2521972576, ClinGen allele CA340100959.

ClinVar aggregate classification (germline): Uncertain significance (1 of 4 stars; one submission).

Conditions:
Gorlin syndrome. Also called: Basal cell nevus syndrome; Nevoid Basal Cell Carcinoma Syndrome. Identifiers: Orphanet 377, MedGen C0004779, MONDO:0007187.

gnomAD v4.1: 2 of 1,611,856 alleles (0.00012%); no homozygotes.

Submission:

Labcorp Genetics (formerly Invitae), Labcorp
Classification: Uncertain significance for Gorlin syndrome. Last evaluated: 2025-03-05. Review status: criteria provided, single submitter. Criteria: Invitae Variant Classification Sherloc (09022015). Collection method: clinical testing. Allele origin: germline.
Comment: This sequence change affects an acceptor splice site in intron 11 of the PTCH2 gene. It is expected to disrupt RNA splicing. Variants that disrupt the donor or acceptor splice site typically lead to a loss of protein function (PMID: 16199547), however the current clinical and genetic evidence is not sufficient to establish whether loss-of-function variants in PTCH2 cause disease. This variant is not present in population databases (gnomAD no frequency). This variant has not been reported in the literature in individuals affected with PTCH2-related conditions. ClinVar contains an entry for this variant (Variation ID: 2168909). Algorithms developed to predict the effect of sequence changes on RNA splicing suggest that this variant may disrupt the consensus splice site. In summary, the available evidence is currently insufficient to determine the role of this variant in disease. Therefore, it has been classified as a Variant of Uncertain Significance.

Literature cited by the submitters: PubMed 16199547.